The following is an entry in ClinVar:

ClinVar aggregate classification (germline): Uncertain significance (1 of 4 stars; one submission).

Conditions:
Hereditary cancer-predisposing syndrome. Also called: Tumor predisposition; Hereditary Cancer Syndrome; Hereditary neoplastic syndrome; Neoplastic Syndromes, Hereditary. Identifiers: Orphanet 140162, MedGen C0027672, MeSH D009386, MONDO:0015356.

Submission:

Ambry Genetics
Classification: Uncertain significance for Hereditary cancer-predisposing syndrome. Last evaluated: 2024-04-20. Review status: criteria provided, single submitter. Criteria: Ambry Variant Classification Scheme 2023. Collection method: clinical testing. Allele origin: germline.
Comment: The p.G702R variant (also known as c.2104G>A), located in coding exon 19 of the POLE gene, results from a G to A substitution at nucleotide position 2104. The glycine at codon 702 is replaced by arginine, an amino acid with dissimilar properties. This amino acid position is conserved. In addition, this alteration is predicted to be tolerated by in silico analysis. Based on the available evidence, the clinical significance of this variant remains unclear.

NM_006231.4(POLE):c.2104G>A (p.Gly702Arg)

Gene: POLE (DNA polymerase epsilon, catalytic subunit; minus strand). Cytogenetic location: 12q24.33.
Variant type: single nucleotide variant.
Coding change: c.2104G>A on transcript NM_006231.4 (MANE Select); coding-DNA position 2104, G replaced by A.
Protein change: p.Gly702Arg; replaces glycine 702 with arginine.
Molecular consequence: missense variant.
Genome position (GRCh38, 1-based): chr12:132,668,425, C>T on the plus strand (G>A on the coding strand, the complement: POLE is on the minus strand). VCF-style: chr12-132668425-C-T. GRCh37 (hg19) VCF-style: chr12-133245011-C-T.
Other names: short protein forms G702R.
Identifiers: ClinVar variation 3308334 (VCV003308334.1).